The following is an entry in ClinVar:

ClinVar aggregate classification (germline): Conflicting classifications of pathogenicity. Review status: criteria provided, conflicting classifications (1 of 4 stars). 4 submissions from 4 submitters: Uncertain significance (3); Benign (1). Last evaluated 2025-12-08.

Conditions:
Cardiovascular phenotype. Identifiers: MedGen CN230736.
Hereditary cancer-predisposing syndrome. Also called: Hereditary neoplastic syndrome; Neoplastic Syndromes, Hereditary; Tumor predisposition; Hereditary Cancer Syndrome. Identifiers: Orphanet 140162, MedGen C0027672, MeSH D009386, MONDO:0015356.
Neurofibromatosis, type 1 (NF1). Also called: VON RECKLINGHAUSEN DISEASE; Peripheral type neurofibromatosis; NEUROFIBROMATOSIS, TYPE I, SOMATIC; Neurofibromatosis, type I. Identifiers: Orphanet 636, MedGen C0027831, MONDO:0018975, OMIM 162200. Disease mechanism: loss of function.

Allele frequency attached by ClinVar (database versions not stated): TOPMed below 0.00001.
gnomAD v4.1: 9 of 1,614,042 alleles (0.00056%); highest among the groups gnomAD compares: Non-Finnish European, 0.00068%; no homozygotes.

Submissions (4):

Labcorp Genetics (formerly Invitae), Labcorp
Classification: Benign for Neurofibromatosis, type 1. Last evaluated: 2025-12-08. Review status: criteria provided, single submitter. Criteria: Invitae Variant Classification Sherloc (09022015). Collection method: clinical testing. Allele origin: germline.

Ambry Genetics
Classification: Uncertain significance for Cardiovascular phenotype; Hereditary cancer-predisposing syndrome. Last evaluated: 2025-04-02. Review status: criteria provided, single submitter. Criteria: Ambry Variant Classification Scheme 2023. Collection method: clinical testing. Allele origin: germline.
Comment: The p.R2496Q variant (also known as c.7487G>A), located in coding exon 50 of the NF1 gene, results from a G to A substitution at nucleotide position 7487. The arginine at codon 2496 is replaced by glutamine, an amino acid with highly similar properties. This alteration has been reported with a carrier frequency of 0 in 7051 unselected breast cancer patients and 0.00009 in 11241 female controls of Japanese ancestry (Momozawa Y et al. Nat. Commun. 2018 10;9(1):4083). This amino acid position is highly conserved in available vertebrate species. In addition, the in silico prediction for this alteration is inconclusive. Since supporting evidence is limited at this time, the clinical significance of this alteration remains unclear.

GeneDx
Classification: Uncertain significance. Last evaluated: 2023-10-27. Review status: criteria provided, single submitter. Criteria: GeneDx Variant Classification Process June 2021. Collection method: clinical testing. Allele origin: germline. Affected: yes.
Comment: In silico analysis supports that this missense variant does not alter protein structure/function; This variant is associated with the following publications: (PMID: 25486365, 36243179, 30287823)

Genome-Nilou Lab
Classification: Uncertain significance for Neurofibromatosis, type 1. Last evaluated: 2022-03-15. Review status: criteria provided, single submitter. Criteria: ACMG Guidelines, 2015. Collection method: clinical testing. Allele origin: germline. Affected: no.

NM_001042492.3(NF1):c.7550G>A (p.Arg2517Gln)

Gene: NF1 (neurofibromin 1; plus strand). Cytogenetic location: 17q11.2.
Variant type: single nucleotide variant.
Coding change: c.7550G>A on transcript NM_001042492.3 (MANE Select); coding-DNA position 7550, G replaced by A.
Protein change: p.Arg2517Gln; replaces arginine 2517 with glutamine.
Molecular consequence: missense variant.
Genome position (GRCh38, 1-based): chr17:31,352,349, G>A. VCF-style: chr17-31352349-G-A. GRCh37 (hg19) VCF-style: chr17-29679367-G-A.
Other names: c.7487G>A, p.Arg2496Gln (NM_000267.4); short protein forms R2496Q, R2517Q.
Identifiers: ClinVar variation 484069 (VCV000484069.14), dbSNP rs755260088, ClinGen allele CA8487609.